The following is an entry in ClinVar:

NM_007272.3(CTRC):c.527G>A (p.Gly176Asp)

Gene: CTRC (chymotrypsin C; plus strand). Cytogenetic location: 1p36.21.
Variant type: single nucleotide variant.
Coding change: c.527G>A on transcript NM_007272.3 (MANE Select); coding-DNA position 527, G replaced by A.
Protein change: p.Gly176Asp; replaces glycine 176 with aspartic acid.
Molecular consequence: missense variant.
Genome position (GRCh38, 1-based): chr1:15,444,639, G>A. VCF-style: chr1-15444639-G-A. GRCh37 (hg19) VCF-style: chr1-15771134-G-A.
Other names: short protein forms G176D.
Identifiers: ClinVar variation 1746551 (VCV001746551.7), dbSNP rs1329902065, ClinGen allele CA338567031.

ClinVar aggregate classification (germline): Uncertain significance. Review status: criteria provided, multiple submitters, no conflicts (2 of 4 stars). 2 submissions from 2 submitters: Uncertain significance (2). Last evaluated 2024-12-26.

Conditions:
Hereditary pancreatitis (PCTT). Also called: Hereditary chronic pancreatitis; PRSS1-Related Hereditary Pancreatitis. Identifiers: Orphanet 676, MedGen C0238339, MONDO:0008185, OMIM 167800.

Allele frequency attached by ClinVar (database versions not stated): gnomAD exomes below 0.00001.
gnomAD v4.1: 3 of 1,614,234 alleles (0.00019%); no homozygotes.

Submissions (2):

Labcorp Genetics (formerly Invitae), Labcorp
Classification: Uncertain significance for Hereditary pancreatitis. Last evaluated: 2024-12-26. Review status: criteria provided, single submitter. Criteria: Invitae Variant Classification Sherloc (09022015). Collection method: clinical testing. Allele origin: germline.
Comment: This sequence change replaces glycine, which is neutral and non-polar, with aspartic acid, which is acidic and polar, at codon 176 of the CTRC protein (p.Gly176Asp). This variant is present in population databases (no rsID available, gnomAD 0.004%). This variant has not been reported in the literature in individuals affected with CTRC-related conditions. ClinVar contains an entry for this variant (Variation ID: 1746551). Invitae Evidence Modeling of protein sequence and biophysical properties (such as structural, functional, and spatial information, amino acid conservation, physicochemical variation, residue mobility, and thermodynamic stability) has been performed for this missense variant. However, the output from this modeling did not meet the statistical confidence thresholds required to predict the impact of this variant on CTRC protein function. In summary, the available evidence is currently insufficient to determine the role of this variant in disease. Therefore, it has been classified as a Variant of Uncertain Significance.

Ambry Genetics
Classification: Uncertain significance for Hereditary pancreatitis. Last evaluated: 2024-01-31. Review status: criteria provided, single submitter. Criteria: Ambry Variant Classification Scheme 2023. Collection method: clinical testing. Allele origin: germline.
Comment: The p.G176D variant (also known as c.527G>A), located in coding exon 6 of the CTRC gene, results from a G to A substitution at nucleotide position 527. The glycine at codon 176 is replaced by aspartic acid, an amino acid with similar properties. This amino acid position is conserved. In addition, the in silico prediction for this alteration is inconclusive. Since supporting evidence is limited at this time, the clinical significance of this alteration remains unclear.